The following is an entry in ClinVar:

ClinVar aggregate classification (germline): Uncertain significance (1 of 4 stars; one submission).

gnomAD v4.1: 1 of 1,548,022 alleles (0.000065%); highest among the groups gnomAD compares: Non-Finnish European, 0.000087%; no homozygotes.

Submission:

Ambry Genetics
Classification: Uncertain significance. Last evaluated: 2025-01-20. Review status: criteria provided, single submitter. Criteria: Ambry Variant Classification Scheme 2023. Collection method: clinical testing. Allele origin: germline.
Comment: The p.P713S variant (also known as c.2137C>T), located in coding exon 9 of the WNK2 gene, results from a C to T substitution at nucleotide position 2137. The proline at codon 713 is replaced by serine, an amino acid with similar properties. This amino acid position is conserved. In addition, this alteration is predicted to be tolerated by in silico analysis. Based on the available evidence, the clinical significance of this variant remains unclear.

NM_006648.4(WNK2):c.2137C>T (p.Pro713Ser)

Gene: WNK2 (WNK lysine deficient protein kinase 2; plus strand). Cytogenetic location: 9q22.31.
Variant type: single nucleotide variant.
Coding change: c.2137C>T on transcript NM_006648.4 (MANE Select); coding-DNA position 2137, C replaced by T.
Protein change: p.Pro713Ser; replaces proline 713 with serine.
Molecular consequence: missense variant.
Genome position (GRCh38, 1-based): chr9:93,256,401, C>T. VCF-style: chr9-93256401-C-T. GRCh37 (hg19) VCF-style: chr9-96018683-C-T.
Other names: c.2137C>T, p.Pro713Ser (NM_001282394.3); short protein forms P713S.
Identifiers: ClinVar variation 3816888 (VCV003816888.1).
Genomic context (GRCh38, chr9:93,256,401, plus strand): 5'-CCGTCCCTCCAGCAGCACTTCCCGGATCCGGCCATGAGCTTCGCCCCCGTGCTGCCGCCG[C>T]CCAGCACCCCCATGCCCACGGGCCCAGGCCAGCCAGCACCCCCCGGCCAGCAGGTGAGTG-3'
Protein context (NP_006639.3, residues 703-723): AMSFAPVLPP[Pro713Ser]STPMPTGPGQ